The following is an entry in ClinVar:

ClinVar aggregate classification (germline): Pathogenic (1 of 4 stars; one submission).

Conditions:
Primary ciliary dyskinesia. Also called: Ciliary dyskinesia. Identifiers: Orphanet 244, MedGen C0008780, MONDO:0016575, HP:0012265.

Submission:

Labcorp Genetics (formerly Invitae), Labcorp
Classification: Pathogenic for Primary ciliary dyskinesia. Last evaluated: 2026-01-01. Review status: criteria provided, single submitter. Criteria: Invitae Variant Classification Sherloc (09022015). Collection method: clinical testing. Allele origin: germline.
Comment: This sequence change creates a premature translational stop signal (p.Glu911Argfs*178) in the RPGR (ORF15) gene. While this is not anticipated to result in nonsense mediated decay, it is expected to disrupt the last 242 amino acid(s) of the RPGR (ORF15) protein. This variant is not present in population databases (gnomAD no frequency). This premature translational stop signal has been observed in individual(s) with RPGR-related conditions (PMID: 35806195). This variant disrupts a region of the RPGR (ORF15) protein in which other variant(s) (p.Leu1130Lysfs*13) have been determined to be pathogenic (PMID: 16969763, 18552978, 31645972). This suggests that this is a clinically significant region of the protein, and that variants that disrupt it are likely to be disease-causing. For these reasons, this variant has been classified as Pathogenic.

Literature cited by the submitters: PubMed 35806195; PubMed 16969763; PubMed 18552978; PubMed 31645972.

NM_001034853.2(RPGR):c.2731del (p.Glu911fs)

Gene: RPGR (retinitis pigmentosa GTPase regulator; minus strand). Cytogenetic location: Xp11.4.
Variant type: Deletion.
Coding change: c.2731del on transcript NM_001034853.2 (MANE Select); coding-DNA position 2731, one base deleted (G; older notation c.2731delG).
Protein change: p.Glu911fs; shifts the reading frame from glutamic acid 911.
Molecular consequence: frameshift variant. On other transcripts: intron variant (8).
Genome position (GRCh38, 1-based): chrX:38,286,268, C deleted on the plus strand (G on the coding strand, the reverse complement: RPGR is on the minus strand); the first of 4 consecutive C bases (chrX:38,286,268-38,286,271); deleting any one gives the same sequence. VCF-style (leftmost placement, unchanged base first): chrX-38286267-TC-T. GRCh37 (hg19) VCF-style: chrX-38145520-TC-T.
Other names: c.1569+4691del (NM_001367249.1, NM_001367250.1); c.1902+826del (NM_001367245.1); c.1386+4691del (NM_001367251.1); c.1719+826del (NM_001367246.1); c.1572+4691del (NM_001367247.1); c.1905+826del (NM_000328.3); c.1602+4691del (NM_001367248.1); short protein forms E911fs.
Identifiers: ClinVar variation 4707012 (VCV004707012.1).